The following is an entry in ClinVar:

ClinVar aggregate classification (germline): Likely benign (0 of 4 stars; one submission).

Conditions:
ZFHX3-related disorder. Also called: ZFHX3-related condition.

Allele frequency attached by ClinVar (database versions not stated): TOPMed 0.00006; ExAC 0.00008; ESP Exome Variant Server 0.00008; gnomAD 0.00011.
gnomAD v4.1: 126 of 1,614,098 alleles (0.0078%); highest among the groups gnomAD compares: Non-Finnish European, 0.009%; no homozygotes.

Submission:

PreventionGenetics, part of Exact Sciences
Classification: Likely benign for ZFHX3-related condition. Last evaluated: 2020-01-17. Review status: no assertion criteria provided. Collection method: clinical testing. Allele origin: germline.
Comment: This variant is classified as likely benign based on ACMG/AMP sequence variant interpretation guidelines (Richards et al. 2015 PMID: 25741868, with internal and published modifications).

NM_006885.4(ZFHX3):c.2934G>A (p.Ala978=)

Gene: ZFHX3 (zinc finger homeobox 3; minus strand). Cytogenetic location: 16q22.3.
Variant type: single nucleotide variant.
Coding change: c.2934G>A on transcript NM_006885.4 (MANE Select); coding-DNA position 2934, G replaced by A.
Protein change: p.Ala978=; no amino-acid change (alanine 978 retained).
Molecular consequence: synonymous variant.
Genome position (GRCh38, 1-based): chr16:72,950,751, C>T on the plus strand (G>A on the coding strand, the complement: ZFHX3 is on the minus strand). VCF-style: chr16-72950751-C-T. GRCh37 (hg19) VCF-style: chr16-72984650-C-T.
Other names: c.192G>A, p.Ala64= (NM_001164766.2); c.2934G>A, p.Ala978= (NM_001386735.1).
Identifiers: ClinVar variation 3051253 (VCV003051253.2), dbSNP rs371914920, ClinGen allele CA8164244.